The following is an entry in ClinVar:

ClinVar aggregate classification (germline): Uncertain significance (1 of 4 stars; one submission).

Conditions:
Glaucoma 1, open angle, E. Identifiers: MedGen C1842026, MONDO:0007665.
Primary open angle glaucoma (POAG). Also called: OPTN-related open angle glaucoma. Identifiers: MedGen C0339573, MONDO:0100553, OMIM 137760.
Amyotrophic lateral sclerosis type 12 (ALS12). Also called: AMYOTROPHIC LATERAL SCLEROSIS 12 WITH OR WITHOUT FRONTOTEMPORAL DEMENTIA. Identifiers: Orphanet 803, MedGen C3150692, MONDO:0013264, OMIM 613435.

Allele frequency attached by ClinVar (database versions not stated): gnomAD exomes below 0.00001.
gnomAD v4.1: 5 of 1,614,026 alleles (0.00031%); highest among the groups gnomAD compares: East Asian, 0.0089%; no homozygotes.

Submission:

Labcorp Genetics (formerly Invitae), Labcorp
Classification: Uncertain significance for Primary open angle glaucoma; Glaucoma 1, open angle, E; Amyotrophic lateral sclerosis type 12. Last evaluated: 2022-04-06. Review status: criteria provided, single submitter. Criteria: Invitae Variant Classification Sherloc (09022015). Collection method: clinical testing. Allele origin: germline.
Comment: In summary, the available evidence is currently insufficient to determine the role of this variant in disease. Therefore, it has been classified as a Variant of Uncertain Significance. Algorithms developed to predict the effect of missense changes on protein structure and function are either unavailable or do not agree on the potential impact of this missense change (SIFT: "Tolerated"; PolyPhen-2: "Possibly Damaging"; Align-GVGD: "Class C0"). This missense change has been observed in individual(s) with primary open angle glaucoma (PMID: 12939304, 16148883). This variant is present in population databases (no rsID available, gnomAD 0.01%). This sequence change replaces glutamic acid, which is acidic and polar, with aspartic acid, which is acidic and polar, at codon 103 of the OPTN protein (p.Glu103Asp).

Literature cited by the submitters: PubMed 12939304; PubMed 16148883.

NM_001008212.2(OPTN):c.309G>C (p.Glu103Asp)

Genes: OPTN (optineurin; plus strand), LOC108903148 (10p13 OPTN distal Alu-mediated recombination region; plus strand). Cytogenetic location: 10p13.
Variant type: single nucleotide variant.
Coding change: c.309G>C on transcript NM_001008212.2 (MANE Select); coding-DNA position 309, G replaced by C.
Protein change: p.Glu103Asp; replaces glutamic acid 103 with aspartic acid.
Molecular consequence: missense variant.
Genome position (GRCh38, 1-based): chr10:13,110,416, G>C. VCF-style: chr10-13110416-G-C. GRCh37 (hg19) VCF-style: chr10-13152416-G-C.
Other names: c.309G>C, p.Glu103Asp (NM_001008211.1, NM_001008213.1, NM_021980.4); short protein forms E103D.
Identifiers: ClinVar variation 2136844 (VCV002136844.4), dbSNP rs1346865805, ClinGen allele CA376027624.